The following is an entry in ClinVar:

ClinVar aggregate classification (germline): Likely benign (0 of 4 stars; one submission).

Conditions:
PCSK1-related disorder. Also called: PCSK1-related condition.

Allele frequency attached by ClinVar (database versions not stated): gnomAD 0.00001; TOPMed 0.00002.
gnomAD v4.1: 4 of 1,612,900 alleles (0.00025%); highest among the groups gnomAD compares: East Asian, 0.0022%; no homozygotes.

Submission:

PreventionGenetics, part of Exact Sciences
Classification: Likely benign for PCSK1-related condition. Last evaluated: 2021-10-19. Review status: no assertion criteria provided. Collection method: clinical testing. Allele origin: germline.
Comment: This variant is classified as likely benign based on ACMG/AMP sequence variant interpretation guidelines (Richards et al. 2015 PMID: 25741868, with internal and published modifications).

NM_000439.5(PCSK1):c.1083C>T (p.Thr361=)

Genes: PCSK1 (proprotein convertase subtilisin/kexin type 1; minus strand), CAST (calpastatin; plus strand), LOC101929710 (uncharacterized LOC101929710; plus strand). Cytogenetic location: 5q15.
Variant type: single nucleotide variant.
Coding change: c.1083C>T on transcript NM_000439.5 (MANE Select); coding-DNA position 1083, C replaced by T.
Protein change: p.Thr361=; no amino-acid change (threonine 361 retained).
Molecular consequence: synonymous variant. On other transcripts: intron variant (11).
Genome position (GRCh38, 1-based): chr5:96,410,786, G>A on the plus strand (C>T on the coding strand, the complement: PCSK1 is on the minus strand). VCF-style: chr5-96410786-G-A. GRCh37 (hg19) VCF-style: chr5-95746490-G-A.
Other names: c.942C>T, p.Thr314= (NM_001177875.2); c.-175+31134G>A (NM_001423254.1, NM_001423259.1, NM_001423255.1 and 6 more transcripts); c.-103+31134G>A (NM_001423253.1); c.-40+31134G>A (NM_001423258.1).
Identifiers: ClinVar variation 3048876 (VCV003048876.2), dbSNP rs1288453060, ClinGen allele CA445494337.
Genomic context (GRCh38, chr5:96,410,786, plus strand): 5'-GCCACGCTCTCCTAACTAAGCAGAGAGAATTAGACAAAAGCAACATACGATTCTCTGGTC[G>A]GTGTAATCTCCGCTGCTGTAAGAGGTGGCCAGTGTGGAGGAGCACTTCTCAGCGTACCAG-3'
Protein context (NP_000430.3, residues 351-371): LATSYSSGDY[Thr361=]DQRITSADLH